The following is an entry in ClinVar:

ClinVar aggregate classification (germline): Conflicting classifications of pathogenicity. Review status: criteria provided, conflicting classifications (1 of 4 stars). 12 submissions from 12 submitters: Uncertain significance (1); Benign (3); Likely benign (6). 2 of the submissions do not count toward it. Last evaluated 2026-06-01.

Conditions:
Familial sleep-related hypermotor epilepsy. Also called: Autosomal Dominant Sleep-Related Hypermotor (Hyperkinetic) Epilepsy. Identifiers: Orphanet 98784, MedGen C3696898, MONDO:0000030.
Inborn genetic diseases. Identifiers: MedGen C0950123, MeSH D030342.
Autosomal dominant nocturnal frontal lobe epilepsy 4. Also called: CHRNA2-Related Nocturnal Frontal Lobe Epilepsy, Autosomal Dominant; EPILEPSY, FAMILIAL, WITH NOCTURNAL WANDERING AND ICTAL FEAR. Identifiers: Orphanet 98784, MedGen C1835905, MONDO:0012474, OMIM 610353.

Allele frequency attached by ClinVar (database versions not stated): ESP Exome Variant Server 0.00023; TOPMed 0.00033; gnomAD 0.00035 and 0.00036; 1000 Genomes Project 0.00040; 1000 Genomes Project 30x 0.00047.
gnomAD v4.1: 826 of 1,614,166 alleles (0.051%); highest among the groups gnomAD compares: Non-Finnish European, 0.066%; 1 homozygote.

Submissions (12):

Women's Health and Genetics/Laboratory Corporation of America, LabCorp
Classification: Likely benign. Last evaluated: 2026-06-01. Review status: criteria provided, single submitter. Criteria: LabCorp Variant Classification Summary - May 2015. Collection method: clinical testing. Allele origin: germline.
Comment: Variant summary: CHRNA2 c.140C>T (p.Thr47Met) results in a non-conservative amino acid change in the encoded protein sequence. Algorithms developed to predict the effect of missense changes on protein structure and function are either unavailable or do not agree on the potential impact of this missense change. The variant allele was found at a frequency of 0.00046 in 251244 control chromosomes. This frequency is not significantly higher than estimated for disease-causing variants in CHRNA2, allowing no conclusion about variant significance. To our knowledge, no occurrence of c.140C>T in individuals affected with CHRNA2-related conditions and no experimental evidence demonstrating its impact on protein function have been reported. ClinVar contains an entry for this variant (Variation ID: 204979). Based on the evidence outlined above, the variant was classified as likely benign.

CeGaT Center for Human Genetics Tuebingen
Classification: Likely benign. Last evaluated: 2026-03-01. Review status: criteria provided, single submitter. Criteria: CeGaT Center For Human Genetics Tuebingen Variant Classification Criteria Version 2. Collection method: clinical testing. Allele origin: germline. Affected: yes. Observed: 6 variant alleles.
Comment: CHRNA2: BP4

Labcorp Genetics (formerly Invitae), Labcorp
Classification: Likely benign. Last evaluated: 2026-01-12. Review status: criteria provided, single submitter. Criteria: Invitae Variant Classification Sherloc (09022015). Collection method: clinical testing. Allele origin: germline.

Blueprint Genetics
Classification: Likely benign. Last evaluated: 2024-11-07. Review status: criteria provided, single submitter. Criteria: ACMG Guidelines, 2015. Collection method: clinical testing. Allele origin: germline.

Mendelics
Classification: Benign for Autosomal dominant nocturnal frontal lobe epilepsy 4. Last evaluated: 2023-08-22. Review status: criteria provided, single submitter. Criteria: Mendelics Assertion Criteria 2019. Collection method: clinical testing. Allele origin: germline.

Ambry Genetics
Classification: Likely benign for Inborn genetic diseases. Last evaluated: 2022-10-19. Review status: criteria provided, single submitter. Criteria: Ambry Variant Classification Scheme 2023. Collection method: clinical testing. Allele origin: germline.

GeneDx
Classification: Benign. Last evaluated: 2019-12-13. Review status: criteria provided, single submitter. Criteria: GeneDx Variant Classification Process June 2021. Collection method: clinical testing. Allele origin: germline. Affected: yes.
Comment: This variant is associated with the following publications: (PMID: 21703448, 28488083)

Illumina Laboratory Services, Illumina
Classification: Benign for Autosomal dominant nocturnal frontal lobe epilepsy 4. Last evaluated: 2018-01-12. Review status: criteria provided, single submitter. Criteria: ICSL Variant Classification Criteria 13 December 2019. Collection method: clinical testing. Allele origin: germline.
Comment: This variant was observed in the ICSL laboratory as part of a predisposition screen in an ostensibly healthy population. It had not been previously curated by ICSL or reported in the Human Gene Mutation Database (HGMD: prior to June 1st, 2018), and was therefore a candidate for classification through an automated scoring system. Utilizing variant allele frequency, disease prevalence and penetrance estimates, and inheritance mode, an automated score was calculated to assess if this variant is too frequent to cause the disease. Based on the score and internal cut-off values, a variant classified as benign is not then subjected to further curation. The score for this variant resulted in a classification of benign for this disease.

Eurofins Ntd Llc (ga)
Classification: Uncertain significance. Last evaluated: 2018-01-04. Review status: criteria provided, single submitter. Criteria: EGL Classification Definitions 2015. Collection method: clinical testing. Allele origin: germline. Observed: 2 variant alleles, 2 heterozygotes.

Genome Diagnostics Laboratory, University Medical Center Utrecht
Classification: Likely benign for Autosomal dominant nocturnal frontal lobe epilepsy 4. Last evaluated: 2017-07-28. Review status: criteria provided, single submitter. Criteria: ACGS Guidelines, 2013. Collection method: clinical testing. Allele origin: germline. Affected: yes. Study: VKGL Data-share Consensus.

Clinical Genetics DNA and cytogenetics Diagnostics Lab, Erasmus MC, Erasmus Medical Center
Classification: Likely benign. Review status: no assertion criteria provided. Collection method: clinical testing. Allele origin: germline. Affected: yes. Study: VKGL Data-share Consensus. Not counted in ClinVar's aggregate classification.

Diagnostic Laboratory, Department of Genetics, University Medical Center Groningen
Classification: Likely benign for Autosomal dominant nocturnal frontal lobe epilepsy 4. Review status: no assertion criteria provided. Collection method: clinical testing. Allele origin: germline. Affected: yes. Study: VKGL Data-share Consensus. Not counted in ClinVar's aggregate classification.

NM_000742.4(CHRNA2):c.140C>T (p.Thr47Met)

Gene: CHRNA2 (cholinergic receptor nicotinic alpha 2 subunit; minus strand). Cytogenetic location: 8p21.2.
Variant type: single nucleotide variant.
Coding change: c.140C>T on transcript NM_000742.4 (MANE Select); coding-DNA position 140, C replaced by T.
Protein change: p.Thr47Met; replaces threonine 47 with methionine.
Molecular consequence: missense variant. On other transcripts: 5 prime UTR variant (4).
Genome position (GRCh38, 1-based): chr8:27,469,915, G>A on the plus strand (C>T on the coding strand, the complement: CHRNA2 is on the minus strand). VCF-style: chr8-27469915-G-A. GRCh37 (hg19) VCF-style: chr8-27327432-G-A.
Other names: p.T47M:ACG>ATG; c.140C>T, p.Thr47Met (NM_001282455.2); c.-288C>T (NM_001347705.2); c.-333C>T (NM_001347706.2); c.-274C>T (NM_001347707.2); c.-322C>T (NM_001347708.2); short protein forms T47M.
Identifiers: ClinVar variation 204979 (VCV000204979.69), dbSNP rs74772771, ClinGen allele CA313480.